The following is an entry in ClinVar:

NM_007144.3(PCGF2):c.415G>A (p.Glu139Lys)

Gene: PCGF2 (polycomb group ring finger 2; minus strand). Cytogenetic location: 17q12.
Variant type: single nucleotide variant.
Coding change: c.415G>A on transcript NM_007144.3 (MANE Select); coding-DNA position 415, G replaced by A.
Protein change: p.Glu139Lys; replaces glutamic acid 139 with lysine.
Molecular consequence: missense variant.
Genome position (GRCh38, 1-based): chr17:38,738,763, C>T on the plus strand (G>A on the coding strand, the complement: PCGF2 is on the minus strand). VCF-style: chr17-38738763-C-T. GRCh37 (hg19) VCF-style: chr17-36895016-C-T.
Other names: c.415G>A (NM_007144.2); c.415G>A, p.Glu139Lys (NM_001369614.1, NM_001369615.1); short protein forms E139K.
Identifiers: ClinVar variation 2732420 (VCV002732420.5), dbSNP rs201164684, ClinGen allele CA8525007.
Genomic context (GRCh38, chr17:38,738,763, plus strand): 5'-GGGTTACCCAGACTAGGAACCCAGAAGGGGCCAGCCTGGGCCAGACTTGCCTGGCACCTT[C>T]GTAGAATTCGATGGAGAGGCTGACAATCTCATCATCACTCAGAGCCCCCTTCTCCTGCTC-3'
Protein context (NP_009075.1, residues 129-149): EIVSLSIEFY[Glu139Lys]GARDRDEKKG

ClinVar aggregate classification (germline): Conflicting classifications of pathogenicity. Review status: criteria provided, conflicting classifications (1 of 4 stars). 3 submissions from 3 submitters: Uncertain significance (1); Benign (1); Likely benign (1). Last evaluated 2026-02-27.

Conditions:
PCGF2-related disorder. Also called: PCGF2-related condition.
Inborn genetic diseases. Identifiers: MedGen C0950123, MeSH D030342.

Allele frequency attached by ClinVar (database versions not stated): gnomAD 0.00005; gnomAD exomes 0.00005; ESP Exome Variant Server 0.00008; TOPMed 0.00008; ExAC 0.00003.
gnomAD v4.1: 88 of 1,613,424 alleles (0.0055%); highest among the groups gnomAD compares: Admixed American, 0.0067%; no homozygotes.

Submissions (3):

PreventionGenetics, part of Exact Sciences
Classification: Uncertain significance for PCGF2-related condition. Last evaluated: 2026-02-27. Review status: criteria provided, single submitter. Criteria: ACMG Guidelines, 2015. Collection method: clinical testing. Allele origin: germline.
Comment: The PCGF2 c.415G>A variant is predicted to result in the amino acid substitution p.Glu139Lys. To our knowledge, this variant has not been reported in the literature. This variant is reported in 0.0080% of alleles in individuals of African descent in gnomAD. At this time, the clinical significance of this variant is uncertain due to the absence of conclusive functional and genetic evidence.

Labcorp Genetics (formerly Invitae), Labcorp
Classification: Benign. Last evaluated: 2025-07-10. Review status: criteria provided, single submitter. Criteria: Invitae Variant Classification Sherloc (09022015). Collection method: clinical testing. Allele origin: germline.

Ambry Genetics
Classification: Likely benign for Inborn genetic diseases. Last evaluated: 2023-11-13. Review status: criteria provided, single submitter. Criteria: Ambry Variant Classification Scheme 2023. Collection method: clinical testing. Allele origin: germline.